The following is an entry in ClinVar:

NM_004380.3(CREBBP):c.3506G>A (p.Arg1169His)

Gene: CREBBP (CREB binding lysine acetyltransferase; minus strand). Cytogenetic location: 16p13.3.
Variant type: single nucleotide variant.
Coding change: c.3506G>A on transcript NM_004380.3 (MANE Select); coding-DNA position 3506, G replaced by A.
Protein change: p.Arg1169His; replaces arginine 1169 with histidine.
Molecular consequence: missense variant.
Genome position (GRCh38, 1-based): chr16:3,757,912, C>T on the plus strand (G>A on the coding strand, the complement: CREBBP is on the minus strand). VCF-style: chr16-3757912-C-T. GRCh37 (hg19) VCF-style: chr16-3807913-C-T.
Other names: c.3392G>A, p.Arg1131His (NM_001079846.1); short protein forms R1131H, R1169H.
Identifiers: ClinVar variation 1732116 (VCV001732116.5), dbSNP rs2151383365, ClinGen allele CA394568773.

ClinVar aggregate classification (germline): Uncertain significance. Review status: criteria provided, multiple submitters, no conflicts (2 of 4 stars). 2 submissions from 2 submitters: Uncertain significance (2). Last evaluated 2023-08-11.

Conditions:
Rubinstein-Taybi syndrome (RSTS). Identifiers: Orphanet 783, MedGen C0035934, MONDO:0019188.
Inborn genetic diseases. Identifiers: MedGen C0950123, MeSH D030342.

Submissions (2):

Labcorp Genetics (formerly Invitae), Labcorp
Classification: Uncertain significance for Rubinstein-Taybi syndrome. Last evaluated: 2023-08-11. Review status: criteria provided, single submitter. Criteria: Invitae Variant Classification Sherloc (09022015). Collection method: clinical testing. Allele origin: germline.
Comment: Advanced modeling of protein sequence and biophysical properties (such as structural, functional, and spatial information, amino acid conservation, physicochemical variation, residue mobility, and thermodynamic stability) performed at Invitae indicates that this missense variant is expected to disrupt CREBBP protein function. ClinVar contains an entry for this variant (Variation ID: 1732116). This variant has not been reported in the literature in individuals affected with CREBBP-related conditions. This variant is not present in population databases (gnomAD no frequency). This sequence change replaces arginine, which is basic and polar, with histidine, which is basic and polar, at codon 1169 of the CREBBP protein (p.Arg1169His). In summary, the available evidence is currently insufficient to determine the role of this variant in disease. Therefore, it has been classified as a Variant of Uncertain Significance.

Ambry Genetics
Classification: Uncertain significance for Inborn genetic diseases. Last evaluated: 2020-04-15. Review status: criteria provided, single submitter. Criteria: Ambry Variant Classification Scheme 2023. Collection method: clinical testing. Allele origin: germline.
Comment: The p.R1169H variant (also known as c.3506G>A), located in coding exon 18 of the CREBBP gene, results from a G to A substitution at nucleotide position 3506. The arginine at codon 1169 is replaced by histidine, an amino acid with highly similar properties. This amino acid position is highly conserved in available vertebrate species. In addition, the in silico prediction for this alteration is inconclusive. Since supporting evidence is limited at this time, the clinical significance of this alteration remains unclear.